The following is an entry in ClinVar:

ClinVar aggregate classification (germline): Benign/Likely benign. Review status: criteria provided, multiple submitters, no conflicts (2 of 4 stars). 3 submissions from 3 submitters: Benign (1); Likely benign (1). 1 of the submissions does not count toward it. Last evaluated 2026-01-12.

Conditions:
Epileptic encephalopathy. Identifiers: MedGen C0543888, HP:0200134.
FASN-related disorder. Also called: FASN-related condition.

Allele frequency attached by ClinVar (database versions not stated): gnomAD 0.00034 and 0.00041; TOPMed 0.00036; 1000 Genomes Project 0.00040; ESP Exome Variant Server 0.00054; gnomAD exomes 0.00061; 1000 Genomes Project 30x 0.00062; ExAC 0.00067.

Submissions (3):

Labcorp Genetics (formerly Invitae), Labcorp
Classification: Benign for Epileptic encephalopathy. Last evaluated: 2026-01-12. Review status: criteria provided, single submitter. Criteria: Invitae Variant Classification Sherloc (09022015). Collection method: clinical testing. Allele origin: germline.

CeGaT Center for Human Genetics Tuebingen
Classification: Likely benign. Last evaluated: 2022-09-01. Review status: criteria provided, single submitter. Criteria: CeGaT Center For Human Genetics Tuebingen Variant Classification Criteria Version 2. Collection method: clinical testing. Allele origin: germline. Affected: yes. Observed: 1 variant allele.
Comment: FASN: BP4, BP7

PreventionGenetics, part of Exact Sciences
Classification: Likely benign for FASN-related condition. Last evaluated: 2019-03-11. Review status: no assertion criteria provided. Collection method: clinical testing. Allele origin: germline. Not counted in ClinVar's aggregate classification.
Comment: This variant is classified as likely benign based on ACMG/AMP sequence variant interpretation guidelines (Richards et al. 2015 PMID: 25741868, with internal and published modifications).

NM_004104.5(FASN):c.694C>T (p.Leu232=)

Gene: FASN (fatty acid synthase; minus strand). Cytogenetic location: 17q25.3.
Variant type: single nucleotide variant.
Coding change: c.694C>T on transcript NM_004104.5 (MANE Select); coding-DNA position 694, C replaced by T.
Protein change: p.Leu232=; no amino-acid change (leucine 232 retained).
Molecular consequence: synonymous variant.
Genome position (GRCh38, 1-based): chr17:82,092,981, G>A on the plus strand (C>T on the coding strand, the complement: FASN is on the minus strand). VCF-style: chr17-82092981-G-A. GRCh37 (hg19) VCF-style: chr17-80050857-G-A.
Identifiers: ClinVar variation 462105 (VCV000462105.35), dbSNP rs143618212, ClinGen allele CA8853424.
Genomic context (GRCh38, chr17:82,092,981, plus strand): 5'-TGGTGCCGGCGTTCAGGATGGTGGCGTACACCCGCCGGGCCAGGGACTTCTTGGTCAGCA[G>A]GACGGCCACCACACCCTCCGAGCGGCAGTACCCATTCCCTGGGTAGAGCAGCACCTCAGG-3'
Protein context (NP_004095.4, residues 222-242): YCRSEGVVAV[Leu232=]LTKKSLARRV